The following is an entry in ClinVar:

NM_000132.4(F8):c.1621A>T (p.Thr541Ser)

Gene: F8 (coagulation factor VIII; minus strand). Cytogenetic location: Xq28.
Variant type: single nucleotide variant.
Coding change: c.1621A>T on transcript NM_000132.4 (MANE Select); coding-DNA position 1621, A replaced by T.
Protein change: p.Thr541Ser; replaces threonine 541 with serine.
Molecular consequence: missense variant.
Genome position (GRCh38, 1-based): chrX:154,957,088, T>A on the plus strand (A>T on the coding strand, the complement: F8 is on the minus strand). VCF-style: chrX-154957088-T-A. GRCh37 (hg19) VCF-style: chrX-154185363-T-A.
Other names: p.Thr541Ser; short protein forms T541S.
Identifiers: ClinVar variation 627254 (VCV000627254.4), dbSNP rs139526001, ClinGen allele CA337332977.

ClinVar aggregate classification (germline): Pathogenic/Likely pathogenic. Review status: criteria provided, multiple submitters, no conflicts (2 of 4 stars). 3 submissions from 3 submitters: Pathogenic (2); Likely pathogenic (1). Last evaluated 2026-01-27.

Conditions:
Hereditary factor VIII deficiency disease (HEMA). Also called: HEMOPHILIA, CLASSIC; Hemophilia A; AUTOSOMAL HEMOPHILIA A; Hemophilia A, congenital; HEM A; Factor 8 deficiency, congenital. Identifiers: Orphanet 98878, MedGen C0019069, MONDO:0010602, OMIM 306700.
Hereditary factor IX deficiency disease (HEMB). Also called: F9 DEFICIENCY; FACTOR IX DEFICIENCY; PLASMA THROMBOPLASTIN COMPONENT DEFICIENCY; Christmas Disease; Hemophilia B. Identifiers: Orphanet 98879, MedGen C0008533, MeSH D002836, MONDO:0010604, OMIM 306900.

Allele frequency attached by ClinVar (database versions not stated): gnomAD exomes 0.00001; ESP Exome Variant Server 0.00009.
gnomAD v4.1: 7 of 1,210,668 alleles (0.00058%); highest among the groups gnomAD compares: Non-Finnish European, 0.00078%; no homozygotes.

Submissions (3):

Women's Health and Genetics/Laboratory Corporation of America, LabCorp
Classification: Pathogenic for Hereditary factor VIII deficiency disease. Last evaluated: 2026-01-27. Review status: criteria provided, single submitter. Criteria: LabCorp Variant Classification Summary - May 2015. Collection method: clinical testing. Allele origin: germline.
Comment: Variant summary: F8 c.1621A>T (p.Thr541Ser) results in a conservative amino acid change in the encoded protein sequence. Algorithms developed to predict the effect of missense changes on protein structure and function are either unavailable or do not agree on the potential impact of this missense change. The variant was absent in 183441 control chromosomes. c.1621A>T has been observed in multiple individuals affected with Factor VIII Deficiency (Hemophilia A) (e.g. Liu_1998, Hill_2005, Green_2008, Eckhardt_2013, Rydz_2013). These data indicate that the variant is very likely to be associated with disease. To our knowledge, no experimental evidence demonstrating an impact on protein function has been reported. The following publications have been ascertained in the context of this evaluation (PMID: 23926300, 18691168, 15810915, 9886318, 23913812). ClinVar contains an entry for this variant (Variation ID: 627254). Based on the evidence outlined above, the variant was classified as pathogenic.

Mayo Clinic Laboratories, Mayo Clinic
Classification: Likely pathogenic. Last evaluated: 2025-07-24. Review status: criteria provided, single submitter. Criteria: ACMG Guidelines, 2015. Collection method: clinical testing. Allele origin: germline. Observed: 1 variant allele.
Comment: PP3_moderate, PM2_supporting, PS4

NIHR Bioresource Rare Diseases, University of Cambridge
Classification: Pathogenic for Hereditary factor IX deficiency disease. Last evaluated: 2019-02-01. Review status: criteria provided, single submitter. Criteria: ACMG Guidelines, 2015. Collection method: research. Allele origin: unknown. Affected: yes. Observed: 1 hemizygote. Study: ThromboGenomics.

Literature cited by the submitters: PubMed 23926300 (cited by Women's Health and Genetics/Laboratory Corporation of America, LabCorp); PubMed 18691168 (cited by Women's Health and Genetics/Laboratory Corporation of America, LabCorp and Mayo Clinic Laboratories, Mayo Clinic); PubMed 23913812 (cited by Women's Health and Genetics/Laboratory Corporation of America, LabCorp); PubMed 15810915 (cited by Women's Health and Genetics/Laboratory Corporation of America, LabCorp and Mayo Clinic Laboratories, Mayo Clinic); PubMed 9886318 (cited by Women's Health and Genetics/Laboratory Corporation of America, LabCorp and Mayo Clinic Laboratories, Mayo Clinic); PubMed 29296726 (cited by Mayo Clinic Laboratories, Mayo Clinic); PubMed 31064749 (cited by NIHR Bioresource Rare Diseases, University of Cambridge).